The following is an entry in ClinVar:

NM_000059.4(BRCA2):c.5500A>T (p.Ser1834Cys)

Gene: BRCA2 (BRCA2 DNA repair associated; plus strand). Cytogenetic location: 13q13.1.
Variant type: single nucleotide variant.
Coding change: c.5500A>T on transcript NM_000059.4 (MANE Select); coding-DNA position 5500, A replaced by T.
Protein change: p.Ser1834Cys; replaces serine 1834 with cysteine.
Molecular consequence: missense variant.
Genome position (GRCh38, 1-based): chr13:32,339,855, A>T. VCF-style: chr13-32339855-A-T. GRCh37 (hg19) VCF-style: chr13-32913992-A-T.
Other names: short protein forms S1834C.
Identifiers: ClinVar variation 642441 (VCV000642441.12), dbSNP rs760602053, ClinGen allele CA387785794.

ClinVar aggregate classification (germline): Conflicting classifications of pathogenicity. Review status: criteria provided, conflicting classifications (1 of 4 stars). 3 submissions from 3 submitters: Uncertain significance (1); Likely benign (2). Last evaluated 2024-06-25.

Conditions:
Hereditary cancer-predisposing syndrome. Also called: Neoplastic Syndromes, Hereditary; Tumor predisposition; Hereditary neoplastic syndrome; Hereditary Cancer Syndrome. Identifiers: Orphanet 140162, MedGen C0027672, MeSH D009386, MONDO:0015356.
Hereditary breast ovarian cancer syndrome. Also called: Hereditary breast and ovarian cancer; Hereditary breast and ovarian cancer syndrome; Hereditary breast and ovarian cancer syndrome (HBOC); Hereditary breast and/or ovarian cancer syndrome; Breast and ovarian cancer; BRCA1- and BRCA2-Associated Hereditary Breast and Ovarian Cancer. Identifiers: Orphanet 145, MedGen C0677776, MeSH D061325, MONDO:0003582. Disease mechanism: loss of function.

gnomAD v4.1: 2 of 1,613,390 alleles (0.00012%); highest among the groups gnomAD compares: Non-Finnish European, 0.00017%; no homozygotes.

Submissions (3):

Labcorp Genetics (formerly Invitae), Labcorp
Classification: Uncertain significance for Hereditary breast ovarian cancer syndrome. Last evaluated: 2024-06-25. Review status: criteria provided, single submitter. Criteria: Invitae Variant Classification Sherloc (09022015). Collection method: clinical testing. Allele origin: germline.
Comment: This sequence change replaces serine, which is neutral and polar, with cysteine, which is neutral and slightly polar, at codon 1834 of the BRCA2 protein (p.Ser1834Cys). This variant is not present in population databases (gnomAD no frequency). This variant has not been reported in the literature in individuals affected with BRCA2-related conditions. ClinVar contains an entry for this variant (Variation ID: 642441). Advanced modeling of protein sequence and biophysical properties (such as structural, functional, and spatial information, amino acid conservation, physicochemical variation, residue mobility, and thermodynamic stability) performed at Invitae indicates that this missense variant is not expected to disrupt BRCA2 protein function with a negative predictive value of 95%. In summary, the available evidence is currently insufficient to determine the role of this variant in disease. Therefore, it has been classified as a Variant of Uncertain Significance.

Ambry Genetics
Classification: Likely benign for Hereditary cancer-predisposing syndrome. Last evaluated: 2023-08-21. Review status: criteria provided, single submitter. Criteria: Ambry Variant Classification Scheme 2023. Collection method: clinical testing. Allele origin: germline.

University of Washington Department of Laboratory Medicine, University of Washington
Classification: Likely benign for Hereditary cancer-predisposing syndrome. Last evaluated: 2023-03-23. Review status: criteria provided, single submitter. Criteria: Dines et al. (Genet Med. 2020). Collection method: curation. Allele origin: germline.
Comment: Missense variant in a coldspot region where missense variants are very unlikely to be pathogenic (PMID:31911673).

BRCA2 exon 11 coldspot. Reclassification based on statistical prior probability.